The following is an entry in ClinVar:

ClinVar aggregate classification (germline): Uncertain significance. Review status: criteria provided, multiple submitters, no conflicts (2 of 4 stars). 2 submissions from 2 submitters: Uncertain significance (2). Last evaluated 2024-11-11.

Allele frequency attached by ClinVar (database versions not stated): ESP Exome Variant Server 0.00031; gnomAD exomes 0.00035 and 0.00037; TOPMed 0.00037; ExAC 0.00047; gnomAD 0.00047 and 0.00048.
gnomAD v4.1: 614 of 1,613,246 alleles (0.038%); highest among the groups gnomAD compares: Non-Finnish European, 0.045%; 4 homozygotes.

Submissions (2):

Labcorp Genetics (formerly Invitae), Labcorp
Classification: Uncertain significance. Last evaluated: 2024-11-11. Review status: criteria provided, single submitter. Criteria: Invitae Variant Classification Sherloc (09022015). Collection method: clinical testing. Allele origin: germline.
Comment: This sequence change replaces serine, which is neutral and polar, with threonine, which is neutral and polar, at codon 389 of the SLC19A1 protein (p.Ser389Thr). This variant is present in population databases (rs139437559, gnomAD 0.06%). This variant has not been reported in the literature in individuals affected with SLC19A1-related conditions. ClinVar contains an entry for this variant (Variation ID: 1421912). An algorithm developed to predict the effect of missense changes on protein structure and function (PolyPhen-2) suggests that this variant¬†is likely to be tolerated. In summary, the available evidence is currently insufficient to determine the role of this variant in disease. Therefore, it has been classified as a Variant of Uncertain Significance.

Breakthrough Genomics
Classification: Uncertain significance. Review status: criteria provided, single submitter. Criteria: ACMG Guidelines, 2015. Collection method: not provided. Allele origin: germline. Inheritance: Autosomal dominant inheritance. Affected: yes.

NM_194255.4(SLC19A1):c.1165T>A (p.Ser389Thr)

Gene: SLC19A1 (solute carrier family 19 member 1; minus strand). Cytogenetic location: 21q22.3.
Variant type: single nucleotide variant.
Coding change: c.1165T>A on transcript NM_194255.4 (MANE Select); coding-DNA position 1165, T replaced by A.
Protein change: p.Ser389Thr; replaces serine 389 with threonine.
Molecular consequence: missense variant.
Genome position (GRCh38, 1-based): chr21:45,525,945, A>T on the plus strand (T>A on the coding strand, the complement: SLC19A1 is on the minus strand). VCF-style: chr21-45525945-A-T. GRCh37 (hg19) VCF-style: chr21-46945859-A-T.
Other names: c.1165T>A, p.Ser389Thr (NM_001205206.4, NM_001352511.3, NM_001352512.2); c.1045T>A, p.Ser349Thr (NM_001205207.3); c.811T>A, p.Ser271Thr (NM_001352510.2); short protein forms S389T, S271T, S349T.
Identifiers: ClinVar variation 1421912 (VCV001421912.6), dbSNP rs139437559, ClinGen allele CA10068385.
Genomic context (GRCh38, chr21:45,525,945, plus strand): 5'-TGGTGGCAAAGAACGTGTTGACCCCGAAGACCAGGGCACAGAGCTCTTTAGACAGAGAAG[A>T]TGCAATCTGAAAGCTGAACGGGAAGAGCGGGCAGATCAGGCGCTGCTGGGAGAATAAGCA-3'
Protein context (NP_919231.1, residues 379-399): LVPIATFQIA[Ser389Thr]SLSKELCALV